The following is an entry in ClinVar:

NM_020401.4(NUP107):c.1003C>T (p.Leu335Phe)

Gene: NUP107 (nucleoporin 107; plus strand). Cytogenetic location: 12q15.
Variant type: single nucleotide variant.
Coding change: c.1003C>T on transcript NM_020401.4 (MANE Select); coding-DNA position 1003, C replaced by T.
Protein change: p.Leu335Phe; replaces leucine 335 with phenylalanine.
Molecular consequence: missense variant.
Genome position (GRCh38, 1-based): chr12:68,715,660, C>T. VCF-style: chr12-68715660-C-T. GRCh37 (hg19) VCF-style: chr12-69109440-C-T.
Other names: c.916C>T, p.Leu306Phe (NM_001330192.2); c.1003C>T (NM_020401.2); short protein forms L306F, L335F.
Identifiers: ClinVar variation 1941521 (VCV001941521.6), dbSNP rs368948908, ClinGen allele CA6677630.

ClinVar aggregate classification (germline): Uncertain significance. Review status: criteria provided, multiple submitters, no conflicts (2 of 4 stars). 2 submissions from 2 submitters: Uncertain significance (2). Last evaluated 2025-11-13.

Conditions:
Inborn genetic diseases. Identifiers: MedGen C0950123, MeSH D030342.

Allele frequency attached by ClinVar (database versions not stated): ExAC 0.00001; gnomAD exomes 0.00001; gnomAD 0.00005; TOPMed 0.00006; ESP Exome Variant Server 0.00008.
gnomAD v4.1: 17 of 1,612,944 alleles (0.0011%); highest among the groups gnomAD compares: African/African-American, 0.021%; no homozygotes.

Submissions (2):

Ambry Genetics
Classification: Uncertain significance for Inborn genetic diseases. Last evaluated: 2025-11-13. Review status: criteria provided, single submitter. Criteria: Ambry Variant Classification Scheme 2023. Collection method: clinical testing. Allele origin: germline.

Labcorp Genetics (formerly Invitae), Labcorp
Classification: Uncertain significance. Last evaluated: 2025-06-12. Review status: criteria provided, single submitter. Criteria: Invitae Variant Classification Sherloc (09022015). Collection method: clinical testing. Allele origin: germline.
Comment: This sequence change replaces leucine, which is neutral and non-polar, with phenylalanine, which is neutral and non-polar, at codon 335 of the NUP107 protein (p.Leu335Phe). This variant is present in population databases (rs368948908, gnomAD 0.02%). This variant has not been reported in the literature in individuals affected with NUP107-related conditions. ClinVar contains an entry for this variant (Variation ID: 1941521). Invitae Evidence Modeling of protein sequence and biophysical properties (such as structural, functional, and spatial information, amino acid conservation, physicochemical variation, residue mobility, and thermodynamic stability) indicates that this missense variant is expected to disrupt NUP107 protein function with a positive predictive value of 80%. In summary, the available evidence is currently insufficient to determine the role of this variant in disease. Therefore, it has been classified as a Variant of Uncertain Significance.